The following is an entry in ClinVar:

NM_002691.4(POLD1):c.2250+7G>A

Gene: POLD1 (DNA polymerase delta 1, catalytic subunit; plus strand). Cytogenetic location: 19q13.33.
Variant type: single nucleotide variant.
Coding change: c.2250+7G>A on transcript NM_002691.4 (MANE Select); 7 bases into the intron after coding-DNA position 2250, G replaced by A.
Molecular consequence: intron variant.
Genome position (GRCh38, 1-based): chr19:50,413,528, G>A. VCF-style: chr19-50413528-G-A. GRCh37 (hg19) VCF-style: chr19-50916785-G-A.
Other names: c.2250+7G>A (NM_001256849.1, LRG_785t1); c.2328+7G>A (NM_001308632.1, LRG_785t2).
Identifiers: ClinVar variation 414755 (VCV000414755.19), dbSNP rs775363857, ClinGen allele CA9596449.

ClinVar aggregate classification (germline): Conflicting classifications of pathogenicity. Review status: criteria provided, conflicting classifications (1 of 4 stars). 5 submissions from 5 submitters: Uncertain significance (1); Likely benign (4). Last evaluated 2026-01-25.

Conditions:
POLD1-related polyposis and colorectal cancer syndrome (CRCS10). Also called: Colorectal cancer, susceptibility to, 10; Colorectal cancer 10; COLORECTAL CANCER, SUSCEPTIBILITY TO, ON CHROMOSOME 19q. Identifiers: Orphanet 220460, MedGen C2675481, MONDO:0012953, OMIM 612591.
Hereditary cancer-predisposing syndrome. Also called: Neoplastic Syndromes, Hereditary; Hereditary neoplastic syndrome; Hereditary Cancer Syndrome; Tumor predisposition. Identifiers: Orphanet 140162, MedGen C0027672, MeSH D009386, MONDO:0015356.

Allele frequency attached by ClinVar (database versions not stated): ExAC 0.00001; gnomAD exomes 0.00002; gnomAD 0.00004; TOPMed 0.00010.
gnomAD v4.1: 31 of 1,602,136 alleles (0.0019%); highest among the groups gnomAD compares: Admixed American, 0.015%; no homozygotes.

Submissions (5):

Labcorp Genetics (formerly Invitae), Labcorp
Classification: Likely benign for POLD1-related polyposis and colorectal cancer syndrome. Last evaluated: 2026-01-25. Review status: criteria provided, single submitter. Criteria: Invitae Variant Classification Sherloc (09022015). Collection method: clinical testing. Allele origin: germline.

Sema4
Classification: Likely benign for Hereditary cancer-predisposing syndrome. Last evaluated: 2021-03-10. Review status: criteria provided, single submitter. Criteria: Sema4 Curation Guidelines. Collection method: curation. Allele origin: germline.

Genetic Services Laboratory, University of Chicago
Classification: Likely benign. Last evaluated: 2019-12-09. Review status: criteria provided, single submitter. Criteria: ACMG Guidelines, 2015. Collection method: clinical testing. Allele origin: germline. Affected: no.

GeneDx
Classification: Likely benign. Last evaluated: 2018-03-06. Review status: criteria provided, single submitter. Criteria: GeneDx Variant Classification (06012015). Collection method: clinical testing. Allele origin: germline. Affected: yes.
Comment: This variant is considered likely benign or benign based on one or more of the following criteria: it is a conservative change, it occurs at a poorly conserved position in the protein, it is predicted to be benign by multiple in silico algorithms, and/or has population frequency not consistent with disease.

Quest Diagnostics Nichols Institute San Juan Capistrano
Classification: Uncertain significance. Last evaluated: 2017-03-30. Review status: criteria provided, single submitter. Criteria: Quest Diagnostics criteria. Collection method: clinical testing. Allele origin: germline.